The following is an entry in ClinVar:

NM_017849.4(TMEM127):c.245-2del

Gene: TMEM127 (transmembrane protein 127; minus strand). Cytogenetic location: 2q11.2.
Variant type: Deletion.
Coding change: c.245-2del on transcript NM_017849.4 (MANE Select); the canonical splice acceptor site of the intron before coding-DNA position 245, one base deleted (A; older notation c.245-2delA).
Molecular consequence: splice acceptor variant.
Genome position (GRCh38, 1-based): chr2:96,254,999, T deleted on the plus strand (A on the coding strand, the reverse complement: TMEM127 is on the minus strand). VCF-style (leftmost placement, unchanged base first): chr2-96254998-CT-C. GRCh37 (hg19) VCF-style: chr2-96920736-CT-C.
Other names: c.-8-2del (NM_001407283.1, NM_001407282.1); c.245-2del (NM_001193304.3).
Identifiers: ClinVar variation 2563316 (VCV002563316.2), dbSNP rs2467266788, ClinGen allele CA2580611371.

ClinVar aggregate classification (germline): Likely pathogenic (1 of 4 stars; one submission).

Conditions:
Hereditary cancer-predisposing syndrome. Also called: Neoplastic Syndromes, Hereditary; Hereditary Cancer Syndrome; Hereditary neoplastic syndrome; Tumor predisposition. Identifiers: Orphanet 140162, MedGen C0027672, MeSH D009386, MONDO:0015356.

Submission:

Ambry Genetics
Classification: Likely pathogenic for Hereditary cancer-predisposing syndrome. Last evaluated: 2023-04-21. Review status: criteria provided, single submitter. Criteria: Ambry Variant Classification Scheme 2023. Collection method: clinical testing. Allele origin: germline.
Comment: The c.245-2delA intronic variant, located in intron 1 of the TMEM127 gene, results from a deletion of one nucleotide within intron 1 of the TMEM127 gene. Alterations that disrupt the canonical splice site are expected to result in aberrant splicing. In silico splice site analysis predicts that this alteration will weaken the native splice acceptor site and will result in the creation or strengthening of a novel splice acceptor site. The resulting transcript is predicted to be in-frame and is not expected to trigger nonsense-mediated mRNAdecay; however, direct evidence is unavailable. The exact functional effect of the altered amino acid sequence is unknown; however, a significant portion of the protein is affected (Ambry internal data). This alteration has been observed in at least one individual with a personal and/or family history that is consistent with paraganglioma-pheochromocytoma (PGL-PCC) syndrome (Ambry internal data). This variant is considered to be rare based on population cohorts in the Genome Aggregation Database (gnomAD). This nucleotide position is highly conserved in available vertebrate species. Based on the majority of available evidence to date, this variant is likely to be pathogenic.